The following is an entry in ClinVar:

NM_006206.6(PDGFRA):c.2773G>T (p.Val925Phe)

Gene: PDGFRA (platelet derived growth factor receptor alpha; plus strand). Cytogenetic location: 4q12.
Variant type: single nucleotide variant.
Coding change: c.2773G>T on transcript NM_006206.6 (MANE Select); coding-DNA position 2773, G replaced by T.
Protein change: p.Val925Phe; replaces valine 925 with phenylalanine.
Molecular consequence: missense variant.
Genome position (GRCh38, 1-based): chr4:54,288,897, G>T. VCF-style: chr4-54288897-G-T. GRCh37 (hg19) VCF-style: chr4-55155064-G-T.
Other names: c.2848G>T, p.Val950Phe (NM_001347828.2); c.2773G>T, p.Val925Phe (NM_001347829.2); c.2812G>T, p.Val938Phe (NM_001347830.2); short protein forms V925F, V938F, V950F.
Identifiers: ClinVar variation 4861725 (VCV004861725.1).

ClinVar aggregate classification (germline): Uncertain significance (1 of 4 stars; one submission).

Conditions:
Hereditary cancer-predisposing syndrome. Also called: Neoplastic Syndromes, Hereditary; Tumor predisposition; Hereditary Cancer Syndrome; Hereditary neoplastic syndrome. Identifiers: Orphanet 140162, MedGen C0027672, MeSH D009386, MONDO:0015356.

Submission:

Ambry Genetics
Classification: Uncertain significance for Hereditary cancer-predisposing syndrome. Last evaluated: 2026-03-28. Review status: criteria provided, single submitter. Criteria: Ambry Variant Classification Scheme 2023. Collection method: clinical testing. Allele origin: germline.
Comment: The p.V925F variant (also known as c.2773G>T), located in coding exon 19 of the PDGFRA gene, results from a G to T substitution at nucleotide position 2773. The valine at codon 925 is replaced by phenylalanine, an amino acid with highly similar properties. This amino acid position is conserved. In addition, this alteration is predicted to be deleterious by in silico analysis. Based on the available evidence, the clinical significance of this variant remains unclear.